The following is an entry in ClinVar:

NM_001282534.2(KCNK9):c.519C>T (p.Ile173=)

Gene: KCNK9 (potassium two pore domain channel subfamily K member 9; minus strand). Cytogenetic location: 8q24.3.
Variant type: single nucleotide variant.
Coding change: c.519C>T on transcript NM_001282534.2 (MANE Select); coding-DNA position 519, C replaced by T.
Protein change: p.Ile173=; no amino-acid change (isoleucine 173 retained).
Molecular consequence: synonymous variant. On other transcripts: non-coding transcript variant (1).
Genome position (GRCh38, 1-based): chr8:139,618,864, G>A on the plus strand (C>T on the coding strand, the complement: KCNK9 is on the minus strand). VCF-style: chr8-139618864-G-A. GRCh37 (hg19) VCF-style: chr8-140631107-G-A.
Identifiers: ClinVar variation 4534771 (VCV004534771.6).

ClinVar aggregate classification (germline): Likely benign (1 of 4 stars; one submission).

gnomAD v4.1: 2 of 1,614,208 alleles (0.00012%); highest among the groups gnomAD compares: Non-Finnish European, 0.00017%; no homozygotes.

Submission:

CeGaT Center for Human Genetics Tuebingen
Classification: Likely benign. Last evaluated: 2025-11-01. Review status: criteria provided, single submitter. Criteria: CeGaT Center For Human Genetics Tuebingen Variant Classification Criteria Version 2. Collection method: clinical testing. Allele origin: germline. Affected: yes. Observed: 1 variant allele.
Comment: KCNK9: BP4, BP7